The following is an entry in ClinVar:

ClinVar aggregate classification (germline): Uncertain significance (1 of 4 stars; one submission).

Submission:

Labcorp Genetics (formerly Invitae), Labcorp
Classification: Uncertain significance. Last evaluated: 2024-12-18. Review status: criteria provided, single submitter. Criteria: Invitae Variant Classification Sherloc (09022015). Collection method: clinical testing. Allele origin: germline.
Comment: This sequence change affects codon 541 of the COL9A2 mRNA. It is a 'silent' change, meaning that it does not change the encoded amino acid sequence of the COL9A2 protein. This variant is not present in population databases (gnomAD no frequency). This variant has not been reported in the literature in individuals affected with COL9A2-related conditions. Algorithms developed to predict the effect of sequence changes on RNA splicing suggest that this variant may create or strengthen a splice site. In summary, the available evidence is currently insufficient to determine the role of this variant in disease. Therefore, it has been classified as a Variant of Uncertain Significance.

NM_001852.4(COL9A2):c.1623C>G (p.Ala541=)

Gene: COL9A2 (collagen type IX alpha 2 chain; minus strand). Cytogenetic location: 1p34.2.
Variant type: single nucleotide variant.
Coding change: c.1623C>G on transcript NM_001852.4 (MANE Select); coding-DNA position 1623, C replaced by G.
Protein change: p.Ala541=; no amino-acid change (alanine 541 retained).
Molecular consequence: synonymous variant.
Genome position (GRCh38, 1-based): chr1:40,302,790, G>C on the plus strand (C>G on the coding strand, the complement: COL9A2 is on the minus strand). VCF-style: chr1-40302790-G-C. GRCh37 (hg19) VCF-style: chr1-40768462-G-C.
Identifiers: ClinVar variation 3673746 (VCV003673746.2).